The following is an entry in ClinVar:

NM_001267550.2(TTN):c.102503T>C (p.Val34168Ala)

Genes: TTN-AS1 (TTN antisense RNA 1; plus strand), TTN (titin; minus strand). Cytogenetic location: 2q31.2.
Variant type: single nucleotide variant.
Coding change: c.102503T>C on transcript NM_001267550.2 (MANE Select); coding-DNA position 102503, T replaced by C.
Protein change: p.Val34168Ala; replaces valine 34168 with alanine.
Molecular consequence: missense variant.
Genome position (GRCh38, 1-based): chr2:178,534,112, A>G on the plus strand (T>C on the coding strand, the complement: TTN is on the minus strand). VCF-style: chr2-178534112-A-G. GRCh37 (hg19) VCF-style: chr2-179398839-A-G.
Other names: c.97580T>C, p.Val32527Ala (NM_001256850.1); c.75308T>C, p.Val25103Ala (NM_003319.4); c.94799T>C, p.Val31600Ala (NM_133378.4); c.75683T>C, p.Val25228Ala (NM_133432.3); c.75884T>C, p.Val25295Ala (NM_133437.4); short protein forms V25228A, V32527A, V25103A, V25295A, V31600A, V34168A.
Identifiers: ClinVar variation 2939367 (VCV002939367.3), dbSNP rs1022062534, ClinGen allele CA60959206.

ClinVar aggregate classification (germline): Uncertain significance (1 of 4 stars; one submission).

Conditions:
Dilated cardiomyopathy 1G (CMD1G). Identifiers: Orphanet 154, MedGen C1858763, MONDO:0011400, OMIM 604145.
Autosomal recessive limb-girdle muscular dystrophy type 2J (LGMDR10). Also called: Limb-girdle muscular dystrophy, type 2J; MUSCULAR DYSTROPHY, LIMB-GIRDLE, AUTOSOMAL RECESSIVE 10. Identifiers: Orphanet 140922, MedGen C1837342, MONDO:0012127, OMIM 608807.

Allele frequency attached by ClinVar (database versions not stated): gnomAD exomes below 0.00001; gnomAD 0.00001; TOPMed 0.00002.
gnomAD v4.1: 3 of 1,613,804 alleles (0.00019%); highest among the groups gnomAD compares: African/African-American, 0.004%; no homozygotes.

Submission:

Labcorp Genetics (formerly Invitae), Labcorp
Classification: Uncertain significance for Dilated cardiomyopathy 1G; Autosomal recessive limb-girdle muscular dystrophy type 2J. Last evaluated: 2025-12-04. Review status: criteria provided, single submitter. Criteria: Invitae Variant Classification Sherloc (09022015). Collection method: clinical testing. Allele origin: germline.
Comment: This sequence change replaces valine, which is neutral and non-polar, with alanine, which is neutral and non-polar, at codon 34168 of the TTN protein (p.Val34168Ala). This variant is not present in population databases (gnomAD no frequency). This variant has not been reported in the literature in individuals affected with TTN-related conditions. ClinVar contains an entry for this variant (Variation ID: 2939367). Experimental studies and prediction algorithms are not available or were not evaluated, and the functional significance of this variant is currently unknown. This variant is located in the M band of TTN (PMID: 25589632). Non-truncating variants in this region may be relevant for neuromuscular disorders, but have not been definitively shown to cause cardiomyopathy (PMID: 23975875). In summary, the available evidence is currently insufficient to determine the role of this variant in disease. Therefore, it has been classified as a Variant of Uncertain Significance.

Literature cited by the submitters: PubMed 25589632; PubMed 23975875.